The following is an entry in ClinVar:

NM_032447.5(FBN3):c.509T>C (p.Val170Ala)

Gene: FBN3 (fibrillin 3; minus strand). Cytogenetic location: 19p13.2.
Variant type: single nucleotide variant.
Coding change: c.509T>C on transcript NM_032447.5 (MANE Select); coding-DNA position 509, T replaced by C.
Protein change: p.Val170Ala; replaces valine 170 with alanine.
Molecular consequence: missense variant.
Genome position (GRCh38, 1-based): chr19:8,144,909, A>G on the plus strand (T>C on the coding strand, the complement: FBN3 is on the minus strand). VCF-style: chr19-8144909-A-G. GRCh37 (hg19) VCF-style: chr19-8209793-A-G.
Other names: c.509T>C, p.Val170Ala (NM_001321431.2); short protein forms V170A.
Identifiers: ClinVar variation 4770384 (VCV004770384.1).
Genomic context (GRCh38, chr19:8,144,909, plus strand): 5'-CTACCTCCCACCCGCGCATGCTTGGTACCTCTCTCACATTGAGGTCCCATGAAGCCATAC[A>G]CACAGGCGCAGCGGTTGGGCCCAATGCAGCGACCCCCATTGTGGCAGCCGCGGTCACAGA-3'
Protein context (NP_115823.3, residues 160-180): RCIGPNRCAC[Val170Ala]YGFMGPQCER

ClinVar aggregate classification (germline): Uncertain significance (1 of 4 stars; one submission).

Submission:

Labcorp Genetics (formerly Invitae), Labcorp
Classification: Uncertain significance. Last evaluated: 2025-09-14. Review status: criteria provided, single submitter. Criteria: Invitae Variant Classification Sherloc (09022015). Collection method: clinical testing. Allele origin: germline.
Comment: This sequence change replaces valine, which is neutral and non-polar, with alanine, which is neutral and non-polar, at codon 170 of the FBN3 protein (p.Val170Ala). This variant is not present in population databases (gnomAD no frequency). This variant has not been reported in the literature in individuals affected with FBN3-related conditions. An algorithm developed to predict the effect of missense changes on protein structure and function outputs the following: PolyPhen-2: "Benign". The alanine amino acid residue is found in multiple mammalian species, which suggests that this missense change does not adversely affect protein function. In summary, the available evidence is currently insufficient to determine the role of this variant in disease. Therefore, it has been classified as a Variant of Uncertain Significance.